The following is an entry in ClinVar:

ClinVar aggregate classification (germline): Uncertain significance. Review status: criteria provided, single submitter (1 of 4 stars). 3 submissions from 3 submitters: Uncertain significance (1). 2 of the submissions do not count toward it. Last evaluated 2020-11-14.

Conditions:
Orthostatic hypotension 1 (ORTHYP1). Also called: Dopamine beta-hydroxylase deficiency; Orthostatic hypotension 1, due to DBH deficiency; NORADRENALINE DEFICIENCY; NOREPINEPHRINE DEFICIENCY. Identifiers: Orphanet 230, MedGen C4746777, MONDO:0009123, OMIM 223360.

Allele frequency attached by ClinVar (database versions not stated): TOPMed 0.00001.
gnomAD v4.1: 10 of 1,609,880 alleles (0.00062%); highest among the groups gnomAD compares: African/African-American, 0.0013%; no homozygotes.

Submissions (3):

Labcorp Genetics (formerly Invitae), Labcorp
Classification: Uncertain significance for Orthostatic hypotension 1. Last evaluated: 2020-11-14. Review status: criteria provided, single submitter. Criteria: Invitae Variant Classification Sherloc (09022015). Collection method: clinical testing. Allele origin: germline.
Comment: In summary, the available evidence is currently insufficient to determine the role of this variant in disease. Therefore, it has been classified as a Variant of Uncertain Significance. Experimental studies have shown that this variant affects DBH protein function (PMID: 21209083). This sequence change replaces aspartic acid with glutamic acid at codon 114 of the DBH protein (p.Asp114Glu). The aspartic acid residue is highly conserved and there is a small physicochemical difference between aspartic acid and glutamic acid. This variant is present in population databases (rs77576840, ExAC 0.01%). This variant has been observed in individual(s) with dopamine beta-hydroxylase deficiency (PMID: 11857564). In at least one individual the data is consistent with the variant being in trans (on the opposite chromosome) from a pathogenic variant. ClinVar contains an entry for this variant (Variation ID: 1751).

OMIM
Classification: Pathogenic for ORTHOSTATIC HYPOTENSION 1. Last evaluated: 2002-03-01. Review status: no assertion criteria provided. Collection method: literature only. Allele origin: germline. Not counted in ClinVar's aggregate classification.

GeneReviews
No classification provided. Condition: Orthostatic hypotension 1. Review status: no classification provided. Collection method: literature only. Allele origin: germline. Not counted in ClinVar's aggregate classification.
Comment: Abnormal protein retained in cell, suggesting abnormal trafficking & secretion [Kim et al 2011]

Literature cited by the submitters: PubMed 21209083 (cited by Labcorp Genetics (formerly Invitae), Labcorp and GeneReviews); PubMed 11857564 (cited by Labcorp Genetics (formerly Invitae), Labcorp and OMIM); NCBI Bookshelf NBK1474 (cited by GeneReviews).

NM_000787.4(DBH):c.342C>A (p.Asp114Glu)

Gene: DBH (dopamine beta-hydroxylase; plus strand). Cytogenetic location: 9q34.2.
Variant type: single nucleotide variant.
Coding change: c.342C>A on transcript NM_000787.4 (MANE Select); coding-DNA position 342, C replaced by A.
Protein change: p.Asp114Glu; replaces aspartic acid 114 with glutamic acid.
Molecular consequence: missense variant.
Genome position (GRCh38, 1-based): chr9:133,639,848, C>A. VCF-style: chr9-133639848-C-A. GRCh37 (hg19) VCF-style: chr9-136504970-C-A.
Other names: DBH, ASP100GLU; D100E; C300A; short protein forms D114E.
Identifiers: ClinVar variation 1751 (VCV000001751.11), dbSNP rs77576840, ClinGen allele CA339913.